The following is an entry in ClinVar:

NM_020921.4(NIN):c.4585G>A (p.Glu1529Lys)

Gene: NIN (ninein; minus strand). Cytogenetic location: 14q22.1.
Variant type: single nucleotide variant.
Coding change: c.4585G>A on transcript NM_020921.4 (MANE Select); coding-DNA position 4585, G replaced by A.
Protein change: p.Glu1529Lys; replaces glutamic acid 1529 with lysine.
Molecular consequence: missense variant.
Genome position (GRCh38, 1-based): chr14:50,754,821, C>T on the plus strand (G>A on the coding strand, the complement: NIN is on the minus strand). VCF-style: chr14-50754821-C-T. GRCh37 (hg19) VCF-style: chr14-51221539-C-T.
Other names: c.2446G>A, p.Glu816Lys (NM_016350.5); c.4585G>A, p.Glu1529Lys (NM_182944.3, NM_182946.2); short protein forms E1529K, E816K.
Identifiers: ClinVar variation 2908943 (VCV002908943.3), dbSNP rs200826451, ClinGen allele CA7181561.
Genomic context (GRCh38, chr14:50,754,821, plus strand): 5'-CATTTAATGTCCCTAATTTCAGGTTAGAAATGCTATCTTCTTCATTTAAAGTAGTAATTT[C>T]ATTTCTCAAAATAGAATTTTCCTGTTGAAGCTTTTCAGATTCATATCTGAAGCACAGAGA-3'
Protein context (NP_065972.4, residues 1519-1539): LQQENSILRN[Glu1529Lys]ITTLNEEDSI

ClinVar aggregate classification (germline): Uncertain significance (1 of 4 stars; one submission).

Allele frequency attached by ClinVar (database versions not stated): gnomAD exomes 0.00003; TOPMed 0.00004; gnomAD 0.00007; ExAC 0.00008; ESP Exome Variant Server 0.00008; 1000 Genomes Project 30x 0.00047; 1000 Genomes Project 0.00060.
gnomAD v4.1: 55 of 1,583,224 alleles (0.0035%); highest among the groups gnomAD compares: African/African-American, 0.0054%; no homozygotes.

Submission:

Labcorp Genetics (formerly Invitae), Labcorp
Classification: Uncertain significance. Last evaluated: 2024-11-05. Review status: criteria provided, single submitter. Criteria: Invitae Variant Classification Sherloc (09022015). Collection method: clinical testing. Allele origin: germline.
Comment: This sequence change replaces glutamic acid, which is acidic and polar, with lysine, which is basic and polar, at codon 1529 of the NIN protein (p.Glu1529Lys). This variant is present in population databases (rs200826451, gnomAD 0.009%). This variant has not been reported in the literature in individuals affected with NIN-related conditions. ClinVar contains an entry for this variant (Variation ID: 2908943). An algorithm developed to predict the effect of missense changes on protein structure and function (PolyPhen-2) suggests that this variant is likely to be disruptive. In summary, the available evidence is currently insufficient to determine the role of this variant in disease. Therefore, it has been classified as a Variant of Uncertain Significance.